The following is an entry in ClinVar:

NM_015466.4(PTPN23):c.1633C>T (p.Leu545Phe)

Gene: PTPN23 (protein tyrosine phosphatase non-receptor type 23; plus strand). Cytogenetic location: 3p21.31.
Variant type: single nucleotide variant.
Coding change: c.1633C>T on transcript NM_015466.4 (MANE Select); coding-DNA position 1633, C replaced by T.
Protein change: p.Leu545Phe; replaces leucine 545 with phenylalanine.
Molecular consequence: missense variant.
Genome position (GRCh38, 1-based): chr3:47,409,078, C>T. VCF-style: chr3-47409078-C-T. GRCh37 (hg19) VCF-style: chr3-47450568-C-T.
Other names: c.1255C>T, p.Leu419Phe (NM_001304482.2); short protein forms L419F, L545F.
Identifiers: ClinVar variation 1364105 (VCV001364105.7), dbSNP rs774320322, ClinGen allele CA2365776.

ClinVar aggregate classification (germline): Uncertain significance (1 of 4 stars; one submission).

Allele frequency attached by ClinVar (database versions not stated): gnomAD 0.00001.
gnomAD v4.1: 3 of 1,611,626 alleles (0.00019%); highest among the groups gnomAD compares: East Asian, 0.0022%; no homozygotes.

Submission:

Labcorp Genetics (formerly Invitae), Labcorp
Classification: Uncertain significance. Last evaluated: 2025-10-26. Review status: criteria provided, single submitter. Criteria: Invitae Variant Classification Sherloc (09022015). Collection method: clinical testing. Allele origin: germline.
Comment: This sequence change replaces leucine, which is neutral and non-polar, with phenylalanine, which is neutral and non-polar, at codon 545 of the PTPN23 protein (p.Leu545Phe). This variant is present in population databases (rs774320322, gnomAD 0.01%). This variant has not been reported in the literature in individuals affected with PTPN23-related conditions. ClinVar contains an entry for this variant (Variation ID: 1364105). Experimental studies and prediction algorithms are not available or were not evaluated, and the functional significance of this variant is currently unknown. In summary, the available evidence is currently insufficient to determine the role of this variant in disease. Therefore, it has been classified as a Variant of Uncertain Significance.